The following is an entry in ClinVar:

ClinVar aggregate classification (germline): Uncertain significance (1 of 4 stars; one submission).

Submission:

Labcorp Genetics (formerly Invitae), Labcorp
Classification: Uncertain significance. Last evaluated: 2024-06-24. Review status: criteria provided, single submitter. Criteria: Invitae Variant Classification Sherloc (09022015). Collection method: clinical testing. Allele origin: germline.
Comment: This sequence change creates a premature translational stop signal (p.Leu652*) in the MICAL1 gene. It is expected to result in an absent or disrupted protein product. However, the current clinical and genetic evidence is not sufficient to establish whether loss-of-function variants in MICAL1 cause disease. This variant is not present in population databases (gnomAD no frequency). This variant has not been reported in the literature in individuals affected with MICAL1-related conditions. ClinVar contains an entry for this variant (Variation ID: 1929591). Algorithms developed to predict the effect of sequence changes on RNA splicing suggest that this variant may disrupt the consensus splice site. In summary, the available evidence is currently insufficient to determine the role of this variant in disease. Therefore, it has been classified as a Variant of Uncertain Significance.

NM_022765.4(MICAL1):c.1898T>A (p.Leu633Ter)

Gene: MICAL1 (microtubule associated monooxygenase, calponin and LIM domain containing 1; minus strand). Cytogenetic location: 6q21.
Variant type: single nucleotide variant.
Coding change: c.1898T>A on transcript NM_022765.4 (MANE Select); coding-DNA position 1898, T replaced by A.
Protein change: p.Leu633Ter; replaces leucine 633 with a stop codon.
Molecular consequence: nonsense.
Genome position (GRCh38, 1-based): chr6:109,447,921, A>T on the plus strand (T>A on the coding strand, the complement: MICAL1 is on the minus strand). VCF-style: chr6-109447921-A-T. GRCh37 (hg19) VCF-style: chr6-109769124-A-T.
Other names: c.1640T>A, p.Leu547Ter (NM_001159291.2); c.1955T>A, p.Leu652Ter (NM_001286613.2); short protein forms L652*, L547*, L633*.
Identifiers: ClinVar variation 1929591 (VCV001929591.5), dbSNP rs2482784081, ClinGen allele CA365226608.